The following is an entry in ClinVar:

NM_138711.6(PPARG):c.443T>C (p.Leu148Pro)

Gene: PPARG (peroxisome proliferator activated receptor gamma; plus strand). Cytogenetic location: 3p25.2.
Variant type: single nucleotide variant.
Coding change: c.443T>C on transcript NM_138711.6 (MANE Select); coding-DNA position 443, T replaced by C.
Protein change: p.Leu148Pro; replaces leucine 148 with proline.
Molecular consequence: missense variant. On other transcripts: synonymous variant (1).
Genome position (GRCh38, 1-based): chr3:12,392,666, T>C. VCF-style: chr3-12392666-T-C. GRCh37 (hg19) VCF-style: chr3-12434165-T-C.
Other names: c.443T>C, p.Leu148Pro (NM_001374261.3, NM_001374262.3, NM_001354667.3 and 6 more transcripts); c.533T>C, p.Leu178Pro (NM_001354668.2, NM_001374265.1, NM_015869.5); c.16T>C, p.Leu6= (NM_001354669.2); c.449T>C, p.Leu150Pro (NM_001354670.2, NM_001374266.1); short protein forms L148P, L150P, L178P.
Identifiers: ClinVar variation 3024550 (VCV003024550.2), dbSNP rs2470953036.

ClinVar aggregate classification (germline): Pathogenic (0 of 4 stars; one submission).

Conditions:
PPARG-related familial partial lipodystrophy. Also called: LIPODYSTROPHY, FAMILIAL PARTIAL, ASSOCIATED WITH PPARG MUTATIONS. Identifiers: Orphanet 79083, MedGen C1720861, MONDO:0011448, OMIM 604367.

Submission:

Centro De Biociências, Universidade Federal do Rio Grande do Norte
Classification: Pathogenic for PPARG-related familial partial lipodystrophy. Review status: no assertion criteria provided. Collection method: clinical testing. Allele origin: germline. Inheritance: Autosomal recessive inheritance. Affected: yes. Observed: 1 heterozygote.
Comment: The genetic variant Chr3:12.392.666 T>C (or c.533T>C - ENST 00000287820) causes the substitution of leucine with proline at codon 178 (p.Leu178Pro). This substitution is predicted to be harmful by computational programs for in silico pathogenicity prediction, as leucine in position 178 is a conserved amino acid in various biological species. This variant is quite rare, being absent from around 141 thousand individuals in the world population. Heterozygous pathogenic variants in the PPARG gene are linked to familial partial lipodystrophy type 3 (OMIM# 604367), which presents with abnormal fat distribution, muscle hypertrophy, insulin resistance, development of diabetes, hypertriglyceridemia, polycystic ovary syndrome, and hepatic steatosis resulting in secondary hepatomegaly.

Literature cited by the submitters: PubMed 38951919.